The following is an entry in ClinVar:

NM_002471.4(MYH6):c.3578C>T (p.Ala1193Val)

Gene: MYH6 (myosin heavy chain 6; minus strand). Cytogenetic location: 14q11.2.
Variant type: single nucleotide variant.
Coding change: c.3578C>T on transcript NM_002471.4 (MANE Select); coding-DNA position 3578, C replaced by T.
Protein change: p.Ala1193Val; replaces alanine 1193 with valine.
Molecular consequence: missense variant.
Genome position (GRCh38, 1-based): chr14:23,390,211, G>A on the plus strand (C>T on the coding strand, the complement: MYH6 is on the minus strand). VCF-style: chr14-23390211-G-A. GRCh37 (hg19) VCF-style: chr14-23859420-G-A.
Other names: short protein forms A1193V.
Identifiers: ClinVar variation 853879 (VCV000853879.15), dbSNP rs1038940910, ClinGen allele CA257784040.
Genomic context (GRCh38, chr14:23,390,211, plus strand): 5'-TGCAGGTTGTCGATCTGCTCGCCCAGCTCGGCCACGCTGTCGGCGTGCTTCTTGCGCAGG[G>A]CCGCGGCAGTGGCCTCGTGCTGCAGCGTGGCCTCCTCCAGGTCCCGCCGCATCTTCTGGA-3'
Protein context (NP_002462.2, residues 1183-1203): ATLQHEATAA[Ala1193Val]LRKKHADSVA

ClinVar aggregate classification (germline): Uncertain significance. Review status: criteria provided, multiple submitters, no conflicts (2 of 4 stars). 4 submissions from 4 submitters: Uncertain significance (4). Last evaluated 2025-12-15.

Conditions:
Hypertrophic cardiomyopathy 14. Identifiers: MedGen C2750467, MONDO:0013197, OMIM 613251.
Atrial septal defect 3 (ASD3). Identifiers: Orphanet 1478, MedGen C3279790, MONDO:0013567, OMIM 614089.
Dilated cardiomyopathy 1EE (CMD1EE). Identifiers: Orphanet 154, MedGen C2750466, MONDO:0013198, OMIM 613252.
Sick sinus syndrome 3, susceptibility to (SSS3). Identifiers: Orphanet 166282, MedGen C3279791, MONDO:0013568, OMIM 614090.
Hypertrophic cardiomyopathy 1 (CMH1). Also called: Familial hypertrophic cardiomyopathy 1; MYH7-Related Familial Hypertrophic Cardiomyopathy. Identifiers: MedGen C3495498, MONDO:0008647, OMIM 192600.
MYH6-related disorder. Also called: MYH6-Related Disorders; MYH6-related condition.
Cardiovascular phenotype. Identifiers: MedGen CN230736.

Allele frequency attached by ClinVar (database versions not stated): gnomAD exomes below 0.00001.
gnomAD v4.1: 2 of 1,600,072 alleles (0.00012%); highest among the groups gnomAD compares: Non-Finnish European, 0.00017%; no homozygotes.

Submissions (4):

Ambry Genetics
Classification: Uncertain significance for Cardiovascular phenotype. Last evaluated: 2025-12-15. Review status: criteria provided, single submitter. Criteria: Ambry Variant Classification Scheme 2023. Collection method: clinical testing. Allele origin: germline.
Comment: The p.A1193V variant (also known as c.3578C>T), located in coding exon 24 of the MYH6 gene, results from a C to T substitution at nucleotide position 3578. The alanine at codon 1193 is replaced by valine, an amino acid with similar properties. This amino acid position is well conserved in available vertebrate species. In addition, this alteration is predicted to be tolerated by in silico analysis. Based on the available evidence, the clinical significance of this variant remains unclear.

PreventionGenetics, part of Exact Sciences
Classification: Uncertain significance for MYH6-related condition. Last evaluated: 2025-06-16. Review status: criteria provided, single submitter. Criteria: ACMG Guidelines, 2015. Collection method: clinical testing. Allele origin: germline.
Comment: The MYH6 c.3578C>T variant is predicted to result in the amino acid substitution p.Ala1193Val. To our knowledge, this variant has not been reported in the literature. This variant is reported in 0.0% of alleles in individuals of African descent in gnomAD. At this time, the clinical significance of this variant is uncertain due to the absence of conclusive functional and genetic evidence.

Labcorp Genetics (formerly Invitae), Labcorp
Classification: Uncertain significance for Hypertrophic cardiomyopathy 14. Last evaluated: 2023-03-29. Review status: criteria provided, single submitter. Criteria: Invitae Variant Classification Sherloc (09022015). Collection method: clinical testing. Allele origin: germline.
Comment: Advanced modeling of protein sequence and biophysical properties (such as structural, functional, and spatial information, amino acid conservation, physicochemical variation, residue mobility, and thermodynamic stability) performed at Invitae indicates that this missense variant is not expected to disrupt MYH6 protein function. In summary, the available evidence is currently insufficient to determine the role of this variant in disease. Therefore, it has been classified as a Variant of Uncertain Significance. ClinVar contains an entry for this variant (Variation ID: 853879). This variant has not been reported in the literature in individuals affected with MYH6-related conditions. This variant is present in population databases (no rsID available, gnomAD 0.001%). This sequence change replaces alanine, which is neutral and non-polar, with valine, which is neutral and non-polar, at codon 1193 of the MYH6 protein (p.Ala1193Val).

Fulgent Genetics
Classification: Uncertain significance for Hypertrophic cardiomyopathy 1; Hypertrophic cardiomyopathy 14; Dilated cardiomyopathy 1EE; Atrial septal defect 3; Sick sinus syndrome 3, susceptibility to. Last evaluated: 2021-08-20. Review status: criteria provided, single submitter. Criteria: ACMG Guidelines, 2015. Collection method: clinical testing. Allele origin: unknown.